The following is an entry in ClinVar:

NM_001365951.3(KIF1B):c.1427_1430dup (p.Lys478fs)

Gene: KIF1B (kinesin family member 1B; plus strand). Cytogenetic location: 1p36.22.
Variant type: Duplication.
Coding change: c.1427_1430dup on transcript NM_001365951.3 (MANE Select); coding-DNA positions 1427 to 1430, 4 bases duplicated (GTTT; older notation c.1427_1430dupGTTT).
Protein change: p.Lys478fs; shifts the reading frame from lysine 478.
Molecular consequence: frameshift variant.
Genome position (GRCh38, 1-based): chr1:10,282,526-10,282,529, GTTT duplicated. VCF-style (leftmost placement, unchanged base first): chr1-10282525-C-CGTTT. GRCh37 (hg19) VCF-style: chr1-10342583-C-CGTTT.
Other names: c.1427_1430dup, p.Lys478fs (NM_001365952.1); c.1289_1292dup, p.Lys432fs (NM_001365953.1, NM_015074.3, NM_183416.4); c.1289_1292dupGTTT (NM_015074.3); short protein forms K478fs, K432fs.
Identifiers: ClinVar variation 3534014 (VCV003534014.1).
Genomic context (GRCh38, chr1:10,282,525, plus strand): 5'-TCTGTGACCAGTATTCAAGAGAGGATCATGTCTACACCTGGAGGAGAGGAAGCTATTGAA[C>CGTTT]GTTTAAAGGTAAGTAATAGTTCAGACTGAATACAAGGTATTCTATGTAGCTCCACAAGGA-3'

ClinVar aggregate classification (germline): Uncertain significance (1 of 4 stars; one submission).

Submission:

Ambry Genetics
Classification: Uncertain significance. Last evaluated: 2024-09-25. Review status: criteria provided, single submitter. Criteria: Ambry Variant Classification Scheme 2023. Collection method: clinical testing. Allele origin: germline.
Comment: The c.1289_1292dupGTTT variant, located in coding exon 12 of the KIF1B gene, results from a duplication of GTTT at nucleotide position 1289, causing a translational frameshift with a predicted alternate stop codon (p.K432Ffs*10). This alteration is expected to result in loss of function by premature protein truncation or nonsense-mediated mRNA decay. The evidence for this gene-disease relationship is limited; therefore, the clinical significance of this alteration is unclear.